The following is an entry in ClinVar:

NM_001001557.4(GDF6):c.725C>G (p.Ala242Gly)

Gene: GDF6 (growth differentiation factor 6; minus strand). Cytogenetic location: 8q22.1.
Variant type: single nucleotide variant.
Coding change: c.725C>G on transcript NM_001001557.4 (MANE Select); coding-DNA position 725, C replaced by G.
Protein change: p.Ala242Gly; replaces alanine 242 with glycine.
Molecular consequence: missense variant.
Genome position (GRCh38, 1-based): chr8:96,145,206, G>C on the plus strand (C>G on the coding strand, the complement: GDF6 is on the minus strand). VCF-style: chr8-96145206-G-C. GRCh37 (hg19) VCF-style: chr8-97157434-G-C.
Other names: c.725C>G (NM_001001557.3); short protein forms A242G.
Identifiers: ClinVar variation 286405 (VCV000286405.22), dbSNP rs886043381, ClinGen allele CA10605452.
Genomic context (GRCh38, chr8:96,145,206, plus strand): 5'-CTCCGCAGGTCCGGGGGCGGCGGTTGCTGGGGTCCCCGCGCGCGCGCCTCGGCCTCCCCG[G>C]CGTCCAGCTCGCCCCATGCGGCCCGCAGCTCCAAGCACAGCTGCTTCCAGGGCTGGTGGC-3'
Protein context (NP_001001557.1, residues 232-252): ELRAAWGELD[Ala242Gly]GEAEARARGP

ClinVar aggregate classification (germline): Conflicting classifications of pathogenicity. Review status: criteria provided, conflicting classifications (1 of 4 stars). 8 submissions from 8 submitters: Uncertain significance (6); Likely benign (2). Last evaluated 2026-03-01.

Conditions:
GDF6-related disorder. Also called: GDF6-related condition.
Inborn genetic diseases. Identifiers: MedGen C0950123, MeSH D030342.
Leber congenital amaurosis 17 (LCA17). Identifiers: Orphanet 65, MedGen C3715164, MONDO:0014145, OMIM 615360.
Microphthalmia, isolated, with coloboma 6 (MCOPCB6). Also called: Microphthalmia with coloboma 6, digenic; Microphthalmia with coloboma 6; MICROPHTHALMIA/COLOBOMA 6. Identifiers: Orphanet 98938, MedGen C3150968, MONDO:0013376, OMIM 613703.
Isolated microphthalmia 4. Identifiers: Orphanet 2542, MedGen C2751307, MONDO:0013130, OMIM 613094.
Klippel-Feil syndrome 1, autosomal dominant (KFS1). Also called: CERVICAL VERTEBRAL FUSION, AUTOSOMAL DOMINANT. Identifiers: Orphanet 2345, MedGen C1861689, MONDO:0007306, OMIM 118100.

Allele frequency attached by ClinVar (database versions not stated): gnomAD exomes 0.00001; gnomAD 0.00004; TOPMed 0.00005; 1000 Genomes Project 30x 0.00016.
gnomAD v4.1: 14 of 1,502,050 alleles (0.00093%); highest among the groups gnomAD compares: Admixed American, 0.027%; no homozygotes.

Submissions (8):

CeGaT Center for Human Genetics Tuebingen
Classification: Uncertain significance. Last evaluated: 2026-03-01. Review status: criteria provided, single submitter. Criteria: CeGaT Center For Human Genetics Tuebingen Variant Classification Criteria Version 2. Collection method: clinical testing. Allele origin: germline. Affected: yes. Observed: 1 variant allele.

Women's Health and Genetics/Laboratory Corporation of America, LabCorp
Classification: Uncertain significance. Last evaluated: 2026-02-11. Review status: criteria provided, single submitter. Criteria: LabCorp Variant Classification Summary - May 2015. Collection method: clinical testing. Allele origin: germline.
Comment: Variant summary: GDF6 c.725C>G (p.Ala242Gly) results in a non-conservative amino acid change in the encoded protein sequence. Algorithms developed to predict the effect of missense changes on protein structure and function are either unavailable or do not agree on the potential impact of this missense change. The variant was absent in 100172 control chromosomes. The available data on variant occurrences in the general population are insufficient to allow any conclusion about variant significance. To our knowledge, no occurrence of c.725C>G in individuals affected with GDF6-related conditions and no experimental evidence demonstrating its impact on protein function have been reported. ClinVar contains an entry for this variant (Variation ID: 286405). Based on the evidence outlined above, the variant was classified as uncertain significance.

Labcorp Genetics (formerly Invitae), Labcorp
Classification: Likely benign for Isolated microphthalmia 4; Leber congenital amaurosis 17; Klippel-Feil syndrome 1, autosomal dominant; Microphthalmia, isolated, with coloboma 6. Last evaluated: 2025-07-28. Review status: criteria provided, single submitter. Criteria: Invitae Variant Classification Sherloc (09022015). Collection method: clinical testing. Allele origin: germline.

PreventionGenetics, part of Exact Sciences
Classification: Likely benign for GDF6-related condition. Last evaluated: 2025-06-03. Review status: criteria provided, single submitter. Criteria: ACMG Guidelines, 2015. Collection method: clinical testing. Allele origin: germline.
Comment: This variant is classified as likely benign based on ACMG/AMP sequence variant interpretation guidelines (Richards et al. 2015 PMID: 25741868, with internal and published modifications).

GeneDx
Classification: Uncertain significance. Last evaluated: 2024-03-14. Review status: criteria provided, single submitter. Criteria: GeneDx Variant Classification Process June 2021. Collection method: clinical testing. Allele origin: germline. Affected: yes.
Comment: In silico analysis supports that this missense variant does not alter protein structure/function; Has not been previously published as pathogenic or benign to our knowledge

Ambry Genetics
Classification: Uncertain significance for Inborn genetic diseases. Last evaluated: 2024-02-06. Review status: criteria provided, single submitter. Criteria: Ambry Variant Classification Scheme 2023. Collection method: clinical testing. Allele origin: germline.

Eurofins Ntd Llc (ga)
Classification: Uncertain significance. Last evaluated: 2016-03-01. Review status: criteria provided, single submitter. Criteria: EGL Classification Definitions 2015. Collection method: clinical testing. Allele origin: germline. Observed: 1 variant allele, 1 heterozygote.

Breakthrough Genomics
Classification: Uncertain significance. Review status: criteria provided, single submitter. Criteria: ACMG Guidelines, 2015. Collection method: not provided. Allele origin: germline. Inheritance: Autosomal recessive inheritance. Affected: yes.